The following is an entry in ClinVar:

NM_001101.5(ACTB):c.686C>T (p.Thr229Met)

Gene: ACTB (actin beta; minus strand). Cytogenetic location: 7p22.1.
Variant type: single nucleotide variant.
Coding change: c.686C>T on transcript NM_001101.5 (MANE Select); coding-DNA position 686, C replaced by T.
Protein change: p.Thr229Met; replaces threonine 229 with methionine.
Molecular consequence: missense variant.
Genome position (GRCh38, 1-based): chr7:5,528,397, G>A on the plus strand (C>T on the coding strand, the complement: ACTB is on the minus strand). VCF-style: chr7-5528397-G-A. GRCh37 (hg19) VCF-style: chr7-5568028-G-A.
Other names: c.686C>T (LRG_132t1); short protein forms T229M.
Identifiers: ClinVar variation 565729 (VCV000565729.8), dbSNP rs1464535596, ClinGen allele CA366702096.

ClinVar aggregate classification (germline): Uncertain significance (1 of 4 stars; one submission).

Conditions:
Baraitser-Winter syndrome 1 (BRWS1). Also called: Cerebrofrontofacial syndrome; PACHYGYRIA, MENTAL RETARDATION, EPILEPSY, AND CHARACTERISTIC FACIES; MENTAL RETARDATION WITH EPILEPSY AND CHARACTERISTIC FACIES; BARAITSER-WINTER SYNDROME 1, ATYPICAL. Identifiers: Orphanet 2649, Orphanet 2995, MedGen C1855722, MONDO:0009470, OMIM 243310.

Allele frequency attached by ClinVar (database versions not stated): gnomAD exomes below 0.00001; TOPMed below 0.00001.

Submission:

Labcorp Genetics (formerly Invitae), Labcorp
Classification: Uncertain significance for Baraitser-Winter syndrome 1. Last evaluated: 2024-11-06. Review status: criteria provided, single submitter. Criteria: Invitae Variant Classification Sherloc (09022015). Collection method: clinical testing. Allele origin: germline.
Comment: This sequence change replaces threonine, which is neutral and polar, with methionine, which is neutral and non-polar, at codon 229 of the ACTB protein (p.Thr229Met). This variant is present in population databases (no rsID available, gnomAD 0.003%). This variant has not been reported in the literature in individuals affected with ACTB-related conditions. ClinVar contains an entry for this variant (Variation ID: 565729). Invitae Evidence Modeling of protein sequence and biophysical properties (such as structural, functional, and spatial information, amino acid conservation, physicochemical variation, residue mobility, and thermodynamic stability) indicates that this missense variant is not expected to disrupt ACTB protein function with a negative predictive value of 80%. In summary, the available evidence is currently insufficient to determine the role of this variant in disease. Therefore, it has been classified as a Variant of Uncertain Significance.